The following is an entry in ClinVar:

NM_002103.5(GYS1):c.27G>C (p.Met9Ile)

Gene: GYS1 (glycogen synthase 1; minus strand). Cytogenetic location: 19q13.33.
Variant type: single nucleotide variant.
Coding change: c.27G>C on transcript NM_002103.5 (MANE Select); coding-DNA position 27, G replaced by C.
Protein change: p.Met9Ile; replaces methionine 9 with isoleucine.
Molecular consequence: missense variant. On other transcripts: non-coding transcript variant (1).
Genome position (GRCh38, 1-based): chr19:48,993,086, C>G on the plus strand (G>C on the coding strand, the complement: GYS1 is on the minus strand). VCF-style: chr19-48993086-C-G. GRCh37 (hg19) VCF-style: chr19-49496343-C-G.
Other names: c.27G>C, p.Met9Ile (NM_001161587.2); short protein forms M9I.
Identifiers: ClinVar variation 1461465 (VCV001461465.8), dbSNP rs1568628315, ClinGen allele CA406767099.

ClinVar aggregate classification (germline): Uncertain significance (1 of 4 stars; one submission).

Conditions:
Glycogen storage disease due to muscle and heart glycogen synthase deficiency. Also called: GSD 0b; MUSCLE GLYCOGEN SYNTHASE DEFICIENCY. Identifiers: Orphanet 137625, MedGen C1969054, MONDO:0012693, OMIM 611556.

Submission:

Labcorp Genetics (formerly Invitae), Labcorp
Classification: Uncertain significance for Glycogen storage disease due to muscle and heart glycogen synthase deficiency. Last evaluated: 2023-05-08. Review status: criteria provided, single submitter. Criteria: Invitae Variant Classification Sherloc (09022015). Collection method: clinical testing. Allele origin: germline.
Comment: In summary, the available evidence is currently insufficient to determine the role of this variant in disease. Therefore, it has been classified as a Variant of Uncertain Significance. Algorithms developed to predict the effect of missense changes on protein structure and function output the following: SIFT: "Not Available"; PolyPhen-2: "Benign"; Align-GVGD: "Not Available". The isoleucine amino acid residue is found in multiple mammalian species, which suggests that this missense change does not adversely affect protein function. ClinVar contains an entry for this variant (Variation ID: 1461465). This variant has not been reported in the literature in individuals affected with GYS1-related conditions. This variant is not present in population databases (gnomAD no frequency). This sequence change replaces methionine, which is neutral and non-polar, with isoleucine, which is neutral and non-polar, at codon 9 of the GYS1 protein (p.Met9Ile).